The following is an entry in ClinVar:

ClinVar aggregate classification (germline): Uncertain significance. Review status: criteria provided, multiple submitters, no conflicts (2 of 4 stars). 3 submissions from 3 submitters: Uncertain significance (3). Last evaluated 2025-05-28.

Conditions:
Inborn genetic diseases. Identifiers: MedGen C0950123, MeSH D030342.
Achondrogenesis, type IA (ACG1A). Identifiers: Orphanet 932, Orphanet 93299, MedGen C0265273, MONDO:0008701, OMIM 200600.

Allele frequency attached by ClinVar (database versions not stated): gnomAD 0.00003; gnomAD exomes 0.00004; ExAC 0.00005; TOPMed 0.00008.
gnomAD v4.1: 68 of 1,613,986 alleles (0.0042%); highest among the groups gnomAD compares: Middle Eastern, 0.082%; no homozygotes.

Submissions (3):

GeneDx
Classification: Uncertain significance. Last evaluated: 2025-05-28. Review status: criteria provided, single submitter. Criteria: GeneDx Variant Classification Process June 2021. Collection method: clinical testing. Allele origin: germline. Affected: yes.
Comment: In silico analysis suggests that this missense variant does not alter protein structure/function; Has not been previously published as pathogenic or benign to our knowledge

Ambry Genetics
Classification: Uncertain significance for Inborn genetic diseases. Last evaluated: 2024-07-15. Review status: criteria provided, single submitter. Criteria: Ambry Variant Classification Scheme 2023. Collection method: clinical testing. Allele origin: germline.

Labcorp Genetics (formerly Invitae), Labcorp
Classification: Uncertain significance for Achondrogenesis, type IA. Last evaluated: 2022-06-24. Review status: criteria provided, single submitter. Criteria: Invitae Variant Classification Sherloc (09022015). Collection method: clinical testing. Allele origin: germline.
Comment: This sequence change replaces lysine, which is basic and polar, with glutamine, which is neutral and polar, at codon 738 of the TRIP11 protein (p.Lys738Gln). This variant is present in population databases (rs772906406, gnomAD 0.02%). This variant has not been reported in the literature in individuals affected with TRIP11-related conditions. Algorithms developed to predict the effect of missense changes on protein structure and function output the following: SIFT: "Not Available"; PolyPhen-2: "Benign"; Align-GVGD: "Not Available". The glutamine amino acid residue is found in multiple mammalian species, which suggests that this missense change does not adversely affect protein function. In summary, the available evidence is currently insufficient to determine the role of this variant in disease. Therefore, it has been classified as a Variant of Uncertain Significance.

NM_004239.4(TRIP11):c.2212A>C (p.Lys738Gln)

Gene: TRIP11 (thyroid hormone receptor interactor 11; minus strand). Cytogenetic location: 14q32.12.
Variant type: single nucleotide variant.
Coding change: c.2212A>C on transcript NM_004239.4 (MANE Select); coding-DNA position 2212, A replaced by C.
Protein change: p.Lys738Gln; replaces lysine 738 with glutamine.
Molecular consequence: missense variant.
Genome position (GRCh38, 1-based): chr14:92,005,764, T>G on the plus strand (A>C on the coding strand, the complement: TRIP11 is on the minus strand). VCF-style: chr14-92005764-T-G. GRCh37 (hg19) VCF-style: chr14-92472108-T-G.
Other names: c.2209A>C, p.Lys737Gln (NM_001321851.1); c.2212A>C (NM_004239.3); short protein forms K737Q, K738Q.
Identifiers: ClinVar variation 2199984 (VCV002199984.3), dbSNP rs772906406, ClinGen allele CA7313817.